The following is an entry in ClinVar:

ClinVar aggregate classification (germline): Uncertain significance (1 of 4 stars; one submission).

Conditions:
Glycogen storage disease type III (GSD3). Also called: Cori disease; FORBES DISEASE. Identifiers: Orphanet 366, MedGen C0017922, MONDO:0009291, OMIM 232400.

Allele frequency attached by ClinVar (database versions not stated): ExAC 0.00001; gnomAD exomes 0.00001; TOPMed 0.00001; gnomAD 0.00003 and 0.00004.
gnomAD v4.1: 18 of 1,613,956 alleles (0.0011%); highest among the groups gnomAD compares: Middle Eastern, 0.016%; no homozygotes.

Submission:

Labcorp Genetics (formerly Invitae), Labcorp
Classification: Uncertain significance for Glycogen storage disease type III. Last evaluated: 2022-06-26. Review status: criteria provided, single submitter. Criteria: Invitae Variant Classification Sherloc (09022015). Collection method: clinical testing. Allele origin: germline.
Comment: This sequence change replaces glycine, which is neutral and non-polar, with glutamic acid, which is acidic and polar, at codon 1367 of the AGL protein (p.Gly1367Glu). This variant is present in population databases (rs776872571, gnomAD 0.003%). This variant has not been reported in the literature in individuals affected with AGL-related conditions. Algorithms developed to predict the effect of missense changes on protein structure and function are either unavailable or do not agree on the potential impact of this missense change (SIFT: "Deleterious"; PolyPhen-2: "Possibly Damaging"; Align-GVGD: "Class C0"). In summary, the available evidence is currently insufficient to determine the role of this variant in disease. Therefore, it has been classified as a Variant of Uncertain Significance.

NM_000642.3(AGL):c.4100G>A (p.Gly1367Glu)

Gene: AGL (amylo-alpha-1,6-glucosidase and 4-alpha-glucanotransferase; plus strand). Cytogenetic location: 1p21.2.
Variant type: single nucleotide variant.
Coding change: c.4100G>A on transcript NM_000642.3 (MANE Select); coding-DNA position 4100, G replaced by A.
Protein change: p.Gly1367Glu; replaces glycine 1367 with glutamic acid.
Molecular consequence: missense variant.
Genome position (GRCh38, 1-based): chr1:99,913,677, G>A. VCF-style: chr1-99913677-G-A. GRCh37 (hg19) VCF-style: chr1-100379233-G-A.
Other names: c.4100G>A, p.Gly1367Glu (NM_000028.3, NM_000643.3, NM_000644.3 and 1 more transcripts); c.4052G>A, p.Gly1351Glu (NM_000646.3); c.4079G>A, p.Gly1360Glu (NM_001425326.1); c.3899G>A, p.Gly1300Glu (NM_001425327.1); c.3896G>A, p.Gly1299Glu (NM_001425328.1); c.3761G>A, p.Gly1254Glu (NM_001425329.1); c.3722G>A, p.Gly1241Glu (NM_001425332.1); short protein forms G1351E, G1367E, G1241E, G1254E, G1299E, G1300E, G1360E.
Identifiers: ClinVar variation 1417755 (VCV001417755.5), dbSNP rs776872571, ClinGen allele CA967303.